The following is an entry in ClinVar:

ClinVar aggregate classification (germline): Uncertain significance (1 of 4 stars; one submission).

Conditions:
Hereditary cancer-predisposing syndrome. Also called: Neoplastic Syndromes, Hereditary; Tumor predisposition; Hereditary Cancer Syndrome; Hereditary neoplastic syndrome. Identifiers: Orphanet 140162, MedGen C0027672, MeSH D009386, MONDO:0015356.

Submission:

Ambry Genetics
Classification: Uncertain significance for Hereditary cancer-predisposing syndrome. Last evaluated: 2025-05-15. Review status: criteria provided, single submitter. Criteria: Ambry Variant Classification Scheme 2023. Collection method: clinical testing. Allele origin: germline.
Comment: The p.V1377A variant (also known as c.4130T>C), located in coding exon 23 of the PTCH1 gene, results from a T to C substitution at nucleotide position 4130. The valine at codon 1377 is replaced by alanine, an amino acid with similar properties. This amino acid position is highly conserved in available vertebrate species. In addition, this alteration is predicted to be deleterious by in silico analysis. Based on the available evidence, the clinical significance of this variant remains unclear.

NM_000264.5(PTCH1):c.4130T>C (p.Val1377Ala)

Gene: PTCH1 (patched 1; minus strand). Cytogenetic location: 9q22.32.
Variant type: single nucleotide variant.
Coding change: c.4130T>C on transcript NM_000264.5 (MANE Select); coding-DNA position 4130, T replaced by C.
Protein change: p.Val1377Ala; replaces valine 1377 with alanine.
Molecular consequence: missense variant. On other transcripts: non-coding transcript variant (1).
Genome position (GRCh38, 1-based): chr9:95,447,126, A>G on the plus strand (T>C on the coding strand, the complement: PTCH1 is on the minus strand). VCF-style: chr9-95447126-A-G. GRCh37 (hg19) VCF-style: chr9-98209408-A-G.
Other names: c.3932T>C, p.Val1311Ala (NM_001083602.3); c.4127T>C, p.Val1376Ala (NM_001083603.3); c.3677T>C, p.Val1226Ala (NM_001083604.3, NM_001083605.3, NM_001083606.3 and 1 more transcripts); c.3974T>C, p.Val1325Ala (NM_001354918.2); short protein forms V1226A, V1377A, V1311A, V1376A, V1325A.
Identifiers: ClinVar variation 1738088 (VCV001738088.3), dbSNP rs2136575681, ClinGen allele CA374110258.
Genomic context (GRCh38, chr9:95,447,126, plus strand): 5'-AGTCCCCCTCGGGGGTTCCGCCCAGGCCCAGGGACAGGCGGCGGGTGCACGGCGACAGTC[A>G]CGGAGGCAGAAGCCGTCACAGTGGTGATGGGCTGGCAGTAGCCGGGCACGGAGCTGCCCA-3'
Protein context (NP_000255.2, residues 1367-1387): PITTVTASAS[Val1377Ala]TVAVHPPPVP